The following is an entry in ClinVar:

ClinVar aggregate classification (germline): Uncertain significance. Review status: criteria provided, multiple submitters, no conflicts (2 of 4 stars). 2 submissions from 2 submitters: Uncertain significance (2). Last evaluated 2024-09-11.

Conditions:
Tuberous sclerosis 2 (TSC2). Identifiers: Orphanet 805, MedGen C1860707, MONDO:0013199, OMIM 613254.
Hereditary cancer-predisposing syndrome. Also called: Neoplastic Syndromes, Hereditary; Hereditary Cancer Syndrome; Tumor predisposition; Hereditary neoplastic syndrome. Identifiers: Orphanet 140162, MedGen C0027672, MeSH D009386, MONDO:0015356.

Submissions (2):

Labcorp Genetics (formerly Invitae), Labcorp
Classification: Uncertain significance for Tuberous sclerosis 2. Last evaluated: 2024-09-11. Review status: criteria provided, single submitter. Criteria: Invitae Variant Classification Sherloc (09022015). Collection method: clinical testing. Allele origin: germline.
Comment: This sequence change replaces isoleucine, which is neutral and non-polar, with leucine, which is neutral and non-polar, at codon 108 of the TSC2 protein (p.Ile108Leu). This variant is not present in population databases (gnomAD no frequency). This variant has not been reported in the literature in individuals affected with TSC2-related conditions. ClinVar contains an entry for this variant (Variation ID: 2564656). Invitae Evidence Modeling of protein sequence and biophysical properties (such as structural, functional, and spatial information, amino acid conservation, physicochemical variation, residue mobility, and thermodynamic stability) indicates that this missense variant is not expected to disrupt TSC2 protein function with a negative predictive value of 95%. In summary, the available evidence is currently insufficient to determine the role of this variant in disease. Therefore, it has been classified as a Variant of Uncertain Significance.

Ambry Genetics
Classification: Uncertain significance for Hereditary cancer-predisposing syndrome. Last evaluated: 2023-04-18. Review status: criteria provided, single submitter. Criteria: Ambry Variant Classification Scheme 2023. Collection method: clinical testing. Allele origin: germline.
Comment: The p.I108L variant (also known as c.322A>C), located in coding exon 3 of the TSC2 gene, results from an A to C substitution at nucleotide position 322. The isoleucine at codon 108 is replaced by leucine, an amino acid with highly similar properties. This amino acid position is conserved. In addition, the in silico prediction for this alteration is inconclusive. Since supporting evidence is limited at this time, the clinical significance of this alteration remains unclear.

NM_000548.5(TSC2):c.322A>C (p.Ile108Leu)

Gene: TSC2 (TSC complex subunit 2; plus strand). Cytogenetic location: 16p13.3.
Variant type: single nucleotide variant.
Coding change: c.322A>C on transcript NM_000548.5 (MANE Select); coding-DNA position 322, A replaced by C.
Protein change: p.Ile108Leu; replaces isoleucine 108 with leucine.
Molecular consequence: missense variant. On other transcripts: 5 prime UTR variant (14), intron variant (9), non-coding transcript variant (5).
Genome position (GRCh38, 1-based): chr16:2,053,438, A>C. VCF-style: chr16-2053438-A-C. GRCh37 (hg19) VCF-style: chr16-2103439-A-C.
Other names: c.322A>C, p.Ile108Leu (NM_001077183.3, NM_001114382.3, NM_001363528.2 and 10 more transcripts); c.175A>C, p.Ile59Leu (NM_001318829.2, NM_001406675.1, NM_001406676.1 and 2 more transcripts); c.355A>C, p.Ile119Leu (NM_001318832.2); c.-495A>C (NM_001406680.1, NM_001406683.1, NM_001406687.1); c.-1-2758A>C (NM_001406685.1, NM_001318831.2, NM_001406688.1 and 3 more transcripts); c.-124A>C (NM_001406681.1); c.-1110A>C (NM_001406689.1, NM_001406690.1, NM_001406691.1 and 2 more transcripts); c.-1416A>C (NM_001406693.1); and 4 more; short protein forms I108L, I119L, I59L.
Identifiers: ClinVar variation 2564656 (VCV002564656.4), dbSNP rs955754399, ClinGen allele CA394305988.